The following is an entry in ClinVar:

NM_000548.5(TSC2):c.3681C>G (p.Pro1227=)

Gene: TSC2 (TSC complex subunit 2; plus strand). Cytogenetic location: 16p13.3.
Variant type: single nucleotide variant.
Coding change: c.3681C>G on transcript NM_000548.5 (MANE Select); coding-DNA position 3681, C replaced by G.
Protein change: p.Pro1227=; no amino-acid change (proline 1227 retained).
Molecular consequence: synonymous variant. On other transcripts: non-coding transcript variant (5).
Genome position (GRCh38, 1-based): chr16:2,081,665, C>G. VCF-style: chr16-2081665-C-G. GRCh37 (hg19) VCF-style: chr16-2131666-C-G.
Other names: c.3549C>G, p.Pro1183= (NM_001077183.3, NM_001370404.1, NM_001406665.1); c.3681C>G, p.Pro1227= (NM_001114382.3); c.3441C>G, p.Pro1147= (NM_001318827.2); c.3405C>G, p.Pro1135= (NM_001318829.2); c.2949C>G, p.Pro983= (NM_001318831.2, NM_001406687.1, NM_001406688.1); c.3582C>G, p.Pro1194= (NM_001318832.2); c.3552C>G, p.Pro1184= (NM_001363528.2, NM_001370405.1, NM_021055.3); c.3678C>G, p.Pro1226= (NM_001406663.1, NM_001406664.1); and 18 more.
Identifiers: ClinVar variation 4071186 (VCV004071186.2).

ClinVar aggregate classification (germline): Benign/Likely benign. Review status: criteria provided, multiple submitters, no conflicts (2 of 4 stars). 2 submissions from 2 submitters: Benign (1); Likely benign (1). Last evaluated 2026-04-28.

Conditions:
Tuberous sclerosis 2 (TSC2). Identifiers: Orphanet 805, MedGen C1860707, MONDO:0013199, OMIM 613254.
Hereditary cancer-predisposing syndrome. Also called: Neoplastic Syndromes, Hereditary; Tumor predisposition; Hereditary Cancer Syndrome; Hereditary neoplastic syndrome. Identifiers: Orphanet 140162, MedGen C0027672, MeSH D009386, MONDO:0015356.

Submissions (2):

Ambry Genetics
Classification: Likely benign for Hereditary cancer-predisposing syndrome. Last evaluated: 2026-04-28. Review status: criteria provided, single submitter. Criteria: Ambry Variant Classification Scheme 2023. Collection method: clinical testing. Allele origin: germline.

Myriad Genetics, Inc.
Classification: Benign for Tuberous sclerosis 2. Last evaluated: 2025-05-30. Review status: criteria provided, single submitter. Criteria: Myriad Autosomal Dominant, Autosomal Recessive and X-Linked Classification Criteria (2023). Collection method: clinical testing. Allele origin: unknown.
Comment: This variant is considered benign. This variant is a silent/synonymous amino acid change and it is not expected to impact splicing.